The following is an entry in ClinVar:

NM_031885.5(BBS2):c.-153C>G

Gene: BBS2 (Bardet-Biedl syndrome 2; minus strand). Cytogenetic location: 16q13.
Variant type: single nucleotide variant.
Coding change: c.-153C>G on transcript NM_031885.5 (MANE Select); 153 bases upstream of the start codon, C replaced by G.
Molecular consequence: 5 prime UTR variant. On other transcripts: non-coding transcript variant (5).
Genome position (GRCh38, 1-based): chr16:56,520,015, G>C on the plus strand (C>G on the coding strand, the complement: BBS2 is on the minus strand). VCF-style: chr16-56520015-G-C. GRCh37 (hg19) VCF-style: chr16-56553927-G-C.
Other names: c.-153C>G (NM_001377456.1).
Identifiers: ClinVar variation 4880058 (VCV004880058.1).
Genomic context (GRCh38, chr16:56,520,015, plus strand): 5'-ACCTGCGCGGCCCCAGCCGCCTCAGGCCGGACGCGAAACAGCCCGGGACGAACCCGTCCA[G>C]GTACCGCCTGCTCCTCCTGCGGCGGCGCAGACCCGTCCGCTCTTTTTGCGGCTGCGCGGT-3'

ClinVar aggregate classification (germline): Uncertain significance (1 of 4 stars; one submission).

Conditions:
Primary ciliary dyskinesia. Also called: Ciliary dyskinesia. Identifiers: Orphanet 244, MedGen C0008780, MONDO:0016575, HP:0012265.

gnomAD v4.1: 32 of 687,124 alleles (0.0047%); highest among the groups gnomAD compares: Middle Eastern, 0.037%; no homozygotes.

Submission:

Department of Human Genetics, Hannover Medical School
Classification: Uncertain significance for Primary Ciliary Dyskinesia. Last evaluated: 2026-04-01. Review status: criteria provided, single submitter. Criteria: ACMG Guidelines, 2015. Collection method: research. Allele origin: germline. Affected: no.
Comment: Classification performed by HerediClassify using the following criteria:['PM2_supporting: Variant occures does not occur as homozygous in gnomAD.', 'PP3_splicing_supporting: Variant is predicted to have a splice effect by SpliceAI with evidence strength supporting.', "PP4_moderate: The PICADAR socre of 6.0 exceeds threshold of 6 achieving 'moderate' evidence strength."]